The following is an entry in ClinVar:

NM_001006630.2(CHRM2):c.1390G>A (p.Ala464Thr)

Genes: CHRM2 (cholinergic receptor muscarinic 2; plus strand), LOC349160 (uncharacterized LOC349160; minus strand). Cytogenetic location: 7q33.
Variant type: single nucleotide variant.
Coding change: c.1390G>A on transcript NM_001006630.2 (MANE Select); coding-DNA position 1390, G replaced by A.
Protein change: p.Ala464Thr; replaces alanine 464 with threonine.
Molecular consequence: missense variant.
Genome position (GRCh38, 1-based): chr7:137,016,255, G>A. VCF-style: chr7-137016255-G-A. GRCh37 (hg19) VCF-style: chr7-136701002-G-A.
Other names: c.1390G>A, p.Ala464Thr (NM_000739.3, NM_001006626.3, NM_001006627.3 and 6 more transcripts); short protein forms A464T.
Identifiers: ClinVar variation 3616803 (VCV003616803.2).
Genomic context (GRCh38, chr7:137,016,255, plus strand): 5'-AATGCCACCTTCAAGAAGACCTTTAAACACCTTCTCATGTGTCATTATAAGAACATAGGC[G>A]CTACAAGGTAAAATATCTTTGAAAAAGATAGAAGGTGGGCAAGGGGAGCTTGAGAAGAAT-3'
Protein context (NP_001006631.1, residues 454-466): LLMCHYKNIG[Ala464Thr]TR

ClinVar aggregate classification (germline): Uncertain significance (1 of 4 stars; one submission).

Submission:

Labcorp Genetics (formerly Invitae), Labcorp
Classification: Uncertain significance. Last evaluated: 2024-10-13. Review status: criteria provided, single submitter. Criteria: Invitae Variant Classification Sherloc (09022015). Collection method: clinical testing. Allele origin: germline.
Comment: This sequence change replaces alanine, which is neutral and non-polar, with threonine, which is neutral and polar, at codon 464 of the CHRM2 protein (p.Ala464Thr). This variant is present in population databases (rs201605223, gnomAD 0.003%). This variant has not been reported in the literature in individuals affected with CHRM2-related conditions. An algorithm developed to predict the effect of missense changes on protein structure and function (PolyPhen-2) suggests that this variant is likely to be tolerated. In summary, the available evidence is currently insufficient to determine the role of this variant in disease. Therefore, it has been classified as a Variant of Uncertain Significance.